The following is an entry in ClinVar:

NM_004859.4(CLTC):c.3428C>T (p.Ala1143Val)

Gene: CLTC (clathrin heavy chain; plus strand). Cytogenetic location: 17q23.1.
Variant type: single nucleotide variant.
Coding change: c.3428C>T on transcript NM_004859.4 (MANE Select); coding-DNA position 3428, C replaced by T.
Protein change: p.Ala1143Val; replaces alanine 1143 with valine.
Molecular consequence: missense variant.
Genome position (GRCh38, 1-based): chr17:59,681,825, C>T. VCF-style: chr17-59681825-C-T. GRCh37 (hg19) VCF-style: chr17-57759186-C-T.
Other names: c.3440C>T, p.Ala1147Val (NM_001288653.2); short protein forms A1147V, A1143V.
Identifiers: ClinVar variation 1394506 (VCV001394506.6), dbSNP rs2143592603, ClinGen allele CA400417780.

ClinVar aggregate classification (germline): Uncertain significance (1 of 4 stars; one submission).

Submission:

Labcorp Genetics (formerly Invitae), Labcorp
Classification: Uncertain significance. Last evaluated: 2022-09-27. Review status: criteria provided, single submitter. Criteria: Invitae Variant Classification Sherloc (09022015). Collection method: clinical testing. Allele origin: germline.
Comment: In summary, the available evidence is currently insufficient to determine the role of this variant in disease. Therefore, it has been classified as a Variant of Uncertain Significance. Algorithms developed to predict the effect of sequence changes on RNA splicing suggest that this variant may create or strengthen a splice site. Advanced modeling of protein sequence and biophysical properties (such as structural, functional, and spatial information, amino acid conservation, physicochemical variation, residue mobility, and thermodynamic stability) performed at Invitae indicates that this missense variant is not expected to disrupt CLTC protein function. ClinVar contains an entry for this variant (Variation ID: 1394506). This variant has not been reported in the literature in individuals affected with CLTC-related conditions. This variant is not present in population databases (gnomAD no frequency). This sequence change replaces alanine, which is neutral and non-polar, with valine, which is neutral and non-polar, at codon 1147 of the CLTC protein (p.Ala1147Val).